The following is an entry in ClinVar:

NM_001110556.2(FLNA):c.4519C>T (p.Gln1507Ter)

Gene: FLNA (filamin A; minus strand). Cytogenetic location: Xq28.
Variant type: single nucleotide variant.
Coding change: c.4519C>T on transcript NM_001110556.2 (MANE Select); coding-DNA position 4519, C replaced by T.
Protein change: p.Gln1507Ter; replaces glutamine 1507 with a stop codon.
Molecular consequence: nonsense.
Genome position (GRCh38, 1-based): chrX:154,358,524, G>A on the plus strand (C>T on the coding strand, the complement: FLNA is on the minus strand). VCF-style: chrX-154358524-G-A. GRCh37 (hg19) VCF-style: chrX-153586892-G-A.
Other names: c.4519C>T, p.Gln1507Ter (NM_001456.4); short protein forms Q1507*.
Identifiers: ClinVar variation 280595 (VCV000280595.2), dbSNP rs886041771, ClinGen allele CA10603609.

ClinVar aggregate classification (germline): Pathogenic (1 of 4 stars; one submission).

Submission:

GeneDx
Classification: Pathogenic. Last evaluated: 2016-05-23. Review status: criteria provided, single submitter. Criteria: GeneDx Variant Classification (06012015). Collection method: clinical testing. Allele origin: germline. Affected: yes.
Comment: The Q1507X nonsense variant in the FLNA gene is predicted to cause loss of normal protein function either through protein truncation or nonsense-mediated mRNA decay. Although this pathogenic variant has not been reported previously to our knowledge, its presence is consistent a diagnosis of a FLNA-related disorder